The following is an entry in ClinVar:

ClinVar aggregate classification (germline): Uncertain significance (1 of 4 stars; one submission).

Submission:

Labcorp Genetics (formerly Invitae), Labcorp
Classification: Uncertain significance. Last evaluated: 2023-07-10. Review status: criteria provided, single submitter. Criteria: Invitae Variant Classification Sherloc (09022015). Collection method: clinical testing. Allele origin: germline.
Comment: This sequence change replaces methionine, which is neutral and non-polar, with valine, which is neutral and non-polar, at codon 34 of the ATP6V1A protein (p.Met34Val). This variant is not present in population databases (gnomAD no frequency). This variant has not been reported in the literature in individuals affected with ATP6V1A-related conditions. Advanced modeling of protein sequence and biophysical properties (such as structural, functional, and spatial information, amino acid conservation, physicochemical variation, residue mobility, and thermodynamic stability) performed at Invitae indicates that this missense variant is not expected to disrupt ATP6V1A protein function. In summary, the available evidence is currently insufficient to determine the role of this variant in disease. Therefore, it has been classified as a Variant of Uncertain Significance.

NM_001690.4(ATP6V1A):c.100A>G (p.Met34Val)

Gene: ATP6V1A (ATPase H+ transporting V1 subunit A; plus strand). Cytogenetic location: 3q13.31.
Variant type: single nucleotide variant.
Coding change: c.100A>G on transcript NM_001690.4 (MANE Select); coding-DNA position 100, A replaced by G.
Protein change: p.Met34Val; replaces methionine 34 with valine.
Molecular consequence: missense variant.
Genome position (GRCh38, 1-based): chr3:113,781,067, A>G. VCF-style: chr3-113781067-A-G. GRCh37 (hg19) VCF-style: chr3-113499914-A-G.
Other names: short protein forms M34V.
Identifiers: ClinVar variation 2905719 (VCV002905719.3), dbSNP rs2549717399, ClinGen allele CA354004465.